The following is an entry in ClinVar:

ClinVar aggregate classification (germline): Pathogenic. Review status: criteria provided, multiple submitters, no conflicts (2 of 4 stars). 2 submissions from 2 submitters: Pathogenic (2). Last evaluated 2026-02-01.

Allele frequency attached by ClinVar (database versions not stated): gnomAD exomes below 0.00001.

Submissions (2):

CeGaT Center for Human Genetics Tuebingen
Classification: Pathogenic. Last evaluated: 2026-02-01. Review status: criteria provided, single submitter. Criteria: CeGaT Center For Human Genetics Tuebingen Variant Classification Criteria Version 2. Collection method: clinical testing. Allele origin: germline. Affected: yes. Observed: 1 variant allele.
Comment: COL4A4: PVS1, PM2

Labcorp Genetics (formerly Invitae), Labcorp
Classification: Pathogenic. Last evaluated: 2021-06-25. Review status: criteria provided, single submitter. Criteria: Invitae Variant Classification Sherloc (09022015). Collection method: clinical testing. Allele origin: germline.
Comment: For these reasons, this variant has been classified as Pathogenic. ClinVar contains an entry for this variant (Variation ID: 659123). This variant has not been reported in the literature in individuals affected with COL4A4-related conditions. This variant is not present in population databases (ExAC no frequency). This sequence change creates a premature translational stop signal (p.Gly388Trpfs*42) in the COL4A4 gene. It is expected to result in an absent or disrupted protein product. Loss-of-function variants in COL4A4 are known to be pathogenic (PMID: 21196518, 24854265, 25307543).

Literature cited by the submitters: PubMed 21196518 (cited by Labcorp Genetics (formerly Invitae), Labcorp); PubMed 24854265 (cited by Labcorp Genetics (formerly Invitae), Labcorp); PubMed 25307543 (cited by Labcorp Genetics (formerly Invitae), Labcorp).

NM_000092.5(COL4A4):c.1161dup (p.Gly388fs)

Gene: COL4A4 (collagen type IV alpha 4 chain; minus strand). Cytogenetic location: 2q36.3.
Variant type: Duplication.
Coding change: c.1161dup on transcript NM_000092.5 (MANE Select); coding-DNA position 1161, one base duplicated (T; older notation c.1161dupT).
Protein change: p.Gly388fs; shifts the reading frame from glycine 388.
Molecular consequence: frameshift variant.
Genome position (GRCh38, 1-based): chr2:227,098,737, A duplicated on the plus strand (T on the coding strand, the reverse complement: COL4A4 is on the minus strand). VCF-style (leftmost placement, unchanged base first): chr2-227098736-C-CA. GRCh37 (hg19) VCF-style: chr2-227963452-C-CA.
Other names: c.1161dupT (NM_000092.4); short protein forms G388fs.
Identifiers: ClinVar variation 659123 (VCV000659123.10), dbSNP rs1576486164, ClinGen allele CA915941747.